The following is an entry in ClinVar:

ClinVar aggregate classification (germline): Uncertain significance. Review status: criteria provided, multiple submitters, no conflicts (2 of 4 stars). 2 submissions from 2 submitters: Uncertain significance (2). Last evaluated 2025-05-18.

Conditions:
Cardiovascular phenotype. Identifiers: MedGen CN230736.
Noonan syndrome 9 (NS9). Identifiers: Orphanet 648, MedGen C4225282, MONDO:0014691, OMIM 616559.

Allele frequency attached by ClinVar (database versions not stated): gnomAD exomes below 0.00001.
gnomAD v4.1: 1 of 1,614,194 alleles (0.000062%); highest among the groups gnomAD compares: Non-Finnish European, 0.000085%; no homozygotes.

Submissions (2):

Ambry Genetics
Classification: Uncertain significance for Cardiovascular phenotype. Last evaluated: 2025-05-18. Review status: criteria provided, single submitter. Criteria: Ambry Variant Classification Scheme 2023. Collection method: clinical testing. Allele origin: germline.
Comment: The p.M444T variant (also known as c.1331T>C), located in coding exon 10 of the SOS2 gene, results from a T to C substitution at nucleotide position 1331. The methionine at codon 444 is replaced by threonine, an amino acid with similar properties. This amino acid position is conserved. In addition, this alteration is predicted to be tolerated by in silico analysis. Based on the available evidence, the clinical significance of this variant remains unclear.

Labcorp Genetics (formerly Invitae), Labcorp
Classification: Uncertain significance for Noonan syndrome 9. Last evaluated: 2023-05-26. Review status: criteria provided, single submitter. Criteria: Invitae Variant Classification Sherloc (09022015). Collection method: clinical testing. Allele origin: germline.
Comment: Advanced modeling of protein sequence and biophysical properties (such as structural, functional, and spatial information, amino acid conservation, physicochemical variation, residue mobility, and thermodynamic stability) performed at Invitae indicates that this missense variant is not expected to disrupt SOS2 protein function. In summary, the available evidence is currently insufficient to determine the role of this variant in disease. Therefore, it has been classified as a Variant of Uncertain Significance. This sequence change replaces methionine, which is neutral and non-polar, with threonine, which is neutral and polar, at codon 444 of the SOS2 protein (p.Met444Thr). This variant is not present in population databases (gnomAD no frequency). This variant has not been reported in the literature in individuals affected with SOS2-related conditions. ClinVar contains an entry for this variant (Variation ID: 1001181).

NM_006939.4(SOS2):c.1331T>C (p.Met444Thr)

Gene: SOS2 (SOS Ras/Rho guanine nucleotide exchange factor 2; minus strand). Cytogenetic location: 14q21.3.
Variant type: single nucleotide variant.
Coding change: c.1331T>C on transcript NM_006939.4 (MANE Select); coding-DNA position 1331, T replaced by C.
Protein change: p.Met444Thr; replaces methionine 444 with threonine.
Molecular consequence: missense variant.
Genome position (GRCh38, 1-based): chr14:50,159,952, A>G on the plus strand (T>C on the coding strand, the complement: SOS2 is on the minus strand). VCF-style: chr14-50159952-A-G. GRCh37 (hg19) VCF-style: chr14-50626670-A-G.
Other names: c.1331T>C (NM_006939.2); short protein forms M444T.
Identifiers: ClinVar variation 1001181 (VCV001001181.9), dbSNP rs1884941577, ClinGen allele CA389646027.
Genomic context (GRCh38, chr14:50,159,952, plus strand): 5'-CCATCAAACAGAAAAATATGCCGTTCATGTTTGGCACCGATTCTTGTCAATGGTCCCTCC[A>G]TAATGAATTCATTACAACACTGTCCAATATCTTTGCCTTCCCATCCATCGATATTTTTCT-3'
Protein context (NP_008870.2, residues 434-454): DIGQCCNEFI[Met444Thr]EGPLTRIGAK